The following is an entry in ClinVar:

NM_020919.4(ALS2):c.4466T>C (p.Leu1489Pro)

Gene: ALS2 (alsin Rho guanine nucleotide exchange factor ALS2; minus strand). Cytogenetic location: 2q33.1.
Variant type: single nucleotide variant.
Coding change: c.4466T>C on transcript NM_020919.4 (MANE Select); coding-DNA position 4466, T replaced by C.
Protein change: p.Leu1489Pro; replaces leucine 1489 with proline.
Molecular consequence: missense variant.
Genome position (GRCh38, 1-based): chr2:201,706,960, A>G on the plus strand (T>C on the coding strand, the complement: ALS2 is on the minus strand). VCF-style: chr2-201706960-A-G. GRCh37 (hg19) VCF-style: chr2-202571683-A-G.
Other names: short protein forms L1489P.
Identifiers: ClinVar variation 392098 (VCV000392098.2), dbSNP rs1057524356, ClinGen allele CA16604340.
Genomic context (GRCh38, chr2:201,706,960, plus strand): 5'-AGGACACATTCCCAGTAAATGTCTTCCTCGCGATCATTATCCAAAGCATAAAGCATAAAC[A>G]GCGGTGGGTAGAGCCGAGGTAGCAGCACAGGAAGCAATAATCCAGAACTCGTTACTACAT-3'
Protein context (NP_065970.2, residues 1479-1499): PVLLPRLYPP[Leu1489Pro]FMLYALDNDR

ClinVar aggregate classification (germline): Uncertain significance (1 of 4 stars; one submission).

Allele frequency attached by ClinVar (database versions not stated): gnomAD exomes below 0.00001.
gnomAD v4.1: 1 of 1,614,090 alleles (0.000062%); highest among the groups gnomAD compares: Non-Finnish European, 0.000085%; no homozygotes.

Submission:

GeneDx
Classification: Uncertain significance. Last evaluated: 2017-01-09. Review status: criteria provided, single submitter. Criteria: GeneDx Variant Classification (06012015). Collection method: clinical testing. Allele origin: germline. Affected: yes.
Comment: The L1489P variant in the ALS2 gene has not been reported previously as a pathogenic variant, nor as a benign variant, to our knowledge. The L1489P variant was not observed in approximately 6000 individuals of European and African American ancestry in the NHLBI Exome Sequencing Project, indicating it is not a common benign variant in these populations. The L1489P variant is a semi-conservative amino acid substitution, which may impact secondary protein structure as these residues differ in some properties. This substitution occurs at a position that is conserved across species. In silico analysis predicts this variant is probably damaging to the protein structure/function. We interpret L1489P as a variant of uncertain significance.